The following is an entry in ClinVar:

ClinVar aggregate classification (germline): Conflicting classifications of pathogenicity. Review status: criteria provided, conflicting classifications (1 of 4 stars). 2 submissions from 2 submitters: Uncertain significance (1); Likely benign (1). Last evaluated 2024-07-25.

Conditions:
Colorectal cancer, hereditary nonpolyposis, type 7. Identifiers: Orphanet 144, MedGen C1858380, MONDO:0013725, OMIM 614385.

Allele frequency attached by ClinVar (database versions not stated): TOPMed 0.00002; 1000 Genomes Project 30x 0.00016; 1000 Genomes Project 0.00020; gnomAD below 0.00001 and 0.00001.
gnomAD v4.1: 43 of 1,613,550 alleles (0.0027%); highest among the groups gnomAD compares: South Asian, 0.045%; no homozygotes.

Submissions (2):

Labcorp Genetics (formerly Invitae), Labcorp
Classification: Uncertain significance for Colorectal cancer, hereditary nonpolyposis, type 7. Last evaluated: 2024-07-25. Review status: criteria provided, single submitter. Criteria: Invitae Variant Classification Sherloc (09022015). Collection method: clinical testing. Allele origin: germline.
Comment: This sequence change replaces asparagine, which is neutral and polar, with lysine, which is basic and polar, at codon 674 of the MLH3 protein (p.Asn674Lys). This variant is present in population databases (rs544782025, gnomAD 0.05%), and has an allele count higher than expected for a pathogenic variant. This variant has not been reported in the literature in individuals affected with MLH3-related conditions. ClinVar contains an entry for this variant (Variation ID: 864115). An algorithm developed to predict the effect of missense changes on protein structure and function (PolyPhen-2) suggests that this variant is likely to be tolerated. In summary, the available evidence is currently insufficient to determine the role of this variant in disease. Therefore, it has been classified as a Variant of Uncertain Significance.

Ambry Genetics
Classification: Likely benign. Last evaluated: 2024-03-26. Review status: criteria provided, single submitter. Criteria: Ambry Variant Classification Scheme 2023. Collection method: clinical testing. Allele origin: germline.

NM_001040108.2(MLH3):c.2022T>A (p.Asn674Lys)

Gene: MLH3 (mutL homolog 3; minus strand). Cytogenetic location: 14q24.3.
Variant type: single nucleotide variant.
Coding change: c.2022T>A on transcript NM_001040108.2 (MANE Select); coding-DNA position 2022, T replaced by A.
Protein change: p.Asn674Lys; replaces asparagine 674 with lysine.
Molecular consequence: missense variant.
Genome position (GRCh38, 1-based): chr14:75,047,634, A>T on the plus strand (T>A on the coding strand, the complement: MLH3 is on the minus strand). VCF-style: chr14-75047634-A-T. GRCh37 (hg19) VCF-style: chr14-75514337-A-T.
Other names: c.2022T>A, p.Asn674Lys (NM_014381.3); short protein forms N674K.
Identifiers: ClinVar variation 864115 (VCV000864115.12), dbSNP rs544782025, ClinGen allele CA7275779.